The following is an entry in ClinVar:

ClinVar aggregate classification (germline): Uncertain significance (1 of 4 stars; one submission).

Submission:

Labcorp Genetics (formerly Invitae), Labcorp
Classification: Uncertain significance. Last evaluated: 2021-03-25. Review status: criteria provided, single submitter. Criteria: Invitae Variant Classification Sherloc (09022015). Collection method: clinical testing. Allele origin: germline.
Comment: In summary, the available evidence is currently insufficient to determine the role of this variant in disease. Therefore, it has been classified as a Variant of Uncertain Significance. Algorithms developed to predict the effect of missense changes on protein structure and function are either unavailable or do not agree on the potential impact of this missense change (SIFT: "Deleterious"; PolyPhen-2: "Probably Damaging"; Align-GVGD: "Class C15"). This variant has not been reported in the literature in individuals with PCDH15-related conditions. This variant is not present in population databases (ExAC no frequency). This sequence change replaces asparagine with tyrosine at codon 831 of the PCDH15 protein (p.Asn831Tyr). The asparagine residue is highly conserved and there is a large physicochemical difference between asparagine and tyrosine.

NM_001384140.1(PCDH15):c.2491A>T (p.Asn831Tyr)

Gene: PCDH15 (protocadherin related 15; minus strand). Cytogenetic location: 10q21.1.
Variant type: single nucleotide variant.
Coding change: c.2491A>T on transcript NM_001384140.1 (MANE Select); coding-DNA position 2491, A replaced by T.
Protein change: p.Asn831Tyr; replaces asparagine 831 with tyrosine.
Molecular consequence: missense variant.
Genome position (GRCh38, 1-based): chr10:54,022,927, T>A on the plus strand (A>T on the coding strand, the complement: PCDH15 is on the minus strand). VCF-style: chr10-54022927-T-A. GRCh37 (hg19) VCF-style: chr10-55782687-T-A.
Other names: c.2506A>T, p.Asn836Tyr (NM_001142763.2, NM_001142771.2); c.2491A>T, p.Asn831Tyr (NM_001142764.2, NM_001142766.2, NM_001142770.3 and 5 more transcripts); c.2278A>T, p.Asn760Tyr (NM_001142765.2); c.2380A>T, p.Asn794Tyr (NM_001142767.2); c.2425A>T, p.Asn809Tyr (NM_001142768.2, NM_001142773.2, NM_001354404.2); c.2527A>T, p.Asn843Tyr (NM_001142769.4); c.2512A>T, p.Asn838Tyr (NM_001354411.2); short protein forms N836Y, N838Y, N843Y, N794Y, N809Y, N831Y, N760Y.
Identifiers: ClinVar variation 1490383 (VCV001490383.8), dbSNP rs2135319664, ClinGen allele CA376523073.